The following is an entry in ClinVar:

ClinVar aggregate classification (germline): Uncertain significance. Review status: criteria provided, multiple submitters, no conflicts (2 of 4 stars). 2 submissions from 2 submitters: Uncertain significance (2). Last evaluated 2025-05-19.

Conditions:
Multiple gastrointestinal atresias. Also called: FAMILIAL INTESTINAL POLYATRESIA SYNDROME; Multiple intestinal atresia. Identifiers: Orphanet 2300, MedGen C0220744, MONDO:0009465.
Inborn genetic diseases. Identifiers: MedGen C0950123, MeSH D030342.

Allele frequency attached by ClinVar (database versions not stated): ExAC 0.00002; gnomAD exomes 0.00001 and 0.00002; gnomAD 0.00002; ESP Exome Variant Server 0.00008; TOPMed below 0.00001.
gnomAD v4.1: 22 of 1,613,624 alleles (0.0014%); highest among the groups gnomAD compares: South Asian, 0.014%; 1 homozygote.

Submissions (2):

Ambry Genetics
Classification: Uncertain significance for Inborn genetic diseases. Last evaluated: 2025-05-19. Review status: criteria provided, single submitter. Criteria: Ambry Variant Classification Scheme 2023. Collection method: clinical testing. Allele origin: germline.

Labcorp Genetics (formerly Invitae), Labcorp
Classification: Uncertain significance for Multiple gastrointestinal atresias. Last evaluated: 2022-03-19. Review status: criteria provided, single submitter. Criteria: Invitae Variant Classification Sherloc (09022015). Collection method: clinical testing. Allele origin: germline.
Comment: In summary, the available evidence is currently insufficient to determine the role of this variant in disease. Therefore, it has been classified as a Variant of Uncertain Significance. Algorithms developed to predict the effect of missense changes on protein structure and function (SIFT, PolyPhen-2, Align-GVGD) all suggest that this variant is likely to be tolerated. ClinVar contains an entry for this variant (Variation ID: 567021). This variant has not been reported in the literature in individuals affected with TTC7A-related conditions. This variant is present in population databases (rs375318915, gnomAD 0.02%). This sequence change replaces glutamic acid, which is acidic and polar, with lysine, which is basic and polar, at codon 830 of the TTC7A protein (p.Glu830Lys).

NM_020458.4(TTC7A):c.2488G>A (p.Glu830Lys)

Gene: TTC7A (tetratricopeptide repeat domain 7A; plus strand). Cytogenetic location: 2p21.
Variant type: single nucleotide variant.
Coding change: c.2488G>A on transcript NM_020458.4 (MANE Select); coding-DNA position 2488, G replaced by A.
Protein change: p.Glu830Lys; replaces glutamic acid 830 with lysine.
Molecular consequence: missense variant.
Genome position (GRCh38, 1-based): chr2:47,073,834, G>A. VCF-style: chr2-47073834-G-A. GRCh37 (hg19) VCF-style: chr2-47300973-G-A.
Other names: c.2488G>A, p.Glu830Lys (LRG_1323t1); c.2560G>A, p.Glu854Lys (NM_001288951.2); c.2386G>A, p.Glu796Lys (NM_001288953.2); c.1426G>A, p.Glu476Lys (NM_001288955.2); c.2488G>A (NM_020458.2); short protein forms E796K, E830K, E854K, E476K.
Identifiers: ClinVar variation 567021 (VCV000567021.6), dbSNP rs375318915, ClinGen allele CA1648177.